The following is an entry in ClinVar:

ClinVar aggregate classification (germline): Uncertain significance (1 of 4 stars; one submission).

gnomAD v4.1: 7 of 1,585,704 alleles (0.00044%); highest among the groups gnomAD compares: Admixed American, 0.0089%; no homozygotes.

Submission:

Women's Health and Genetics/Laboratory Corporation of America, LabCorp
Classification: Uncertain significance. Last evaluated: 2025-06-10. Review status: criteria provided, single submitter. Criteria: LabCorp Variant Classification Summary - May 2015. Collection method: clinical testing. Allele origin: germline.
Comment: Variant summary: TRIO c.5420G>C (p.Arg1807Pro) results in a non-conservative amino acid change in the encoded protein sequence. Algorithms developed to predict the effect of missense changes on protein structure and function are either unavailable or do not agree on the potential impact of this missense change. The variant allele was found at a frequency of 2.1e-05 in 190252 control chromosomes. The available data on variant occurrences in the general population are insufficient to allow any conclusion about variant significance. To our knowledge, no occurrence of c.5420G>C in individuals affected with TRIO-Related Intellectual Disability and no experimental evidence demonstrating its impact on protein function have been reported. No submitters have cited clinical-significance assessments for this variant to ClinVar. Based on the evidence outlined above, the variant was classified as uncertain significance.

NM_007118.4(TRIO):c.5420G>C (p.Arg1807Pro)

Gene: TRIO (trio Rho guanine nucleotide exchange factor; plus strand). Cytogenetic location: 5p15.2.
Variant type: single nucleotide variant.
Coding change: c.5420G>C on transcript NM_007118.4 (MANE Select); coding-DNA position 5420, G replaced by C.
Protein change: p.Arg1807Pro; replaces arginine 1807 with proline.
Molecular consequence: missense variant. On other transcripts: non-coding transcript variant (1).
Genome position (GRCh38, 1-based): chr5:14,461,235, G>C. VCF-style: chr5-14461235-G-C. GRCh37 (hg19) VCF-style: chr5-14461344-G-C.
Other names: short protein forms R1807P.
Identifiers: ClinVar variation 3907230 (VCV003907230.1).